The following is an entry in ClinVar:

NM_001039469.3(MARK2):c.288dup (p.Leu97fs)

Gene: MARK2 (microtubule affinity regulating kinase 2; plus strand). Cytogenetic location: 11q13.1.
Variant type: Duplication.
Coding change: c.288dup on transcript NM_001039469.3 (MANE Select); coding-DNA position 288, one base duplicated (A; older notation c.288dupA).
Protein change: p.Leu97fs; shifts the reading frame from leucine 97.
Molecular consequence: frameshift variant.
Genome position (GRCh38, 1-based): chr11:63,895,633, A duplicated; the last of 3 consecutive A bases (chr11:63,895,631-63,895,633); duplicating any one gives the same sequence. VCF-style (leftmost placement, unchanged base first): chr11-63895630-G-GA. GRCh37 (hg19) VCF-style: chr11-63663102-G-GA.
Other names: c.288dupA (NM_001039469.3); c.288dup, p.Leu97fs (NM_001163296.2, NM_001163297.2, NM_004954.5); c.189dup, p.Leu64fs (NM_017490.4); short protein forms L64fs, L97fs.
Identifiers: ClinVar variation 3253645 (VCV003253645.2), dbSNP rs2539306378.

ClinVar aggregate classification (germline): Pathogenic (0 of 4 stars; one submission).

Conditions:
Autism spectrum disorder. Also called: Autism spectrum disorders. Identifiers: MedGen C1510586, MeSH D000067877, MONDO:0005258.

Submission:

Department of Medical Genetics, Capital Institute of Pediatrics
Classification: Pathogenic for Autism Spectrum Disorder. Last evaluated: 2024-07-03. Review status: no assertion criteria provided. Collection method: research. Allele origin: de novo. Affected: yes.
Comment: PVS1+PM2_Supporting+PS2

Literature cited by the submitters: PubMed 39419027.